The following is an entry in ClinVar:

ClinVar aggregate classification (germline): Pathogenic (1 of 4 stars; one submission).

Submission:

GeneDx
Classification: Pathogenic. Last evaluated: 2021-01-19. Review status: criteria provided, single submitter. Criteria: GeneDx Variant Classification Process June 2021. Collection method: clinical testing. Allele origin: germline. Affected: yes.
Comment: Frameshift variant predicted to result in protein truncation or nonsense mediated decay in a gene for which loss-of-function is a known mechanism of disease; Not observed in large population cohorts (Lek et al., 2016); Has not been previously published as pathogenic or benign to our knowledge

NM_000088.4(COL1A1):c.2715del (p.Gly906fs)

Gene: COL1A1 (collagen type I alpha 1 chain; minus strand). Cytogenetic location: 17q21.33.
Variant type: Deletion.
Coding change: c.2715del on transcript NM_000088.4 (MANE Select); coding-DNA position 2715, one base deleted (C; older notation c.2715delC).
Protein change: p.Gly906fs; shifts the reading frame from glycine 906.
Molecular consequence: frameshift variant.
Genome position (GRCh38, 1-based): chr17:50,189,491, G deleted on the plus strand (C on the coding strand, the reverse complement: COL1A1 is on the minus strand). VCF-style (leftmost placement, unchanged base first): chr17-50189490-CG-C. GRCh37 (hg19) VCF-style: chr17-48266851-CG-C.
Other names: short protein forms G906fs.
Identifiers: ClinVar variation 1189959 (VCV001189959.2), dbSNP rs2144550479, ClinGen allele CA2499224722.
Genomic context (GRCh38, chr17:50,189,490, plus strand): 5'-CAGGGGGACCAACTTCACCAGGACGTCCAGCAGGGCCAGTCTCACCACGGGGACCTTTGC[CG>C]CCTTCTTTGCCAGCAGGACCAGGAGGGCCAGGGGGTCCAGCATTTCCCTGGATGAGGATA-3'